The following is an entry in ClinVar:

NM_001131016.2(CIZ1):c.2563G>T (p.Ala855Ser)

Gene: CIZ1 (CDKN1A interacting zinc finger protein 1; minus strand). Cytogenetic location: 9q34.11.
Variant type: single nucleotide variant.
Coding change: c.2563G>T on transcript NM_001131016.2 (MANE Select); coding-DNA position 2563, G replaced by T.
Protein change: p.Ala855Ser; replaces alanine 855 with serine.
Molecular consequence: missense variant.
Genome position (GRCh38, 1-based): chr9:128,166,331, C>A on the plus strand (G>T on the coding strand, the complement: CIZ1 is on the minus strand). VCF-style: chr9-128166331-C-A. GRCh37 (hg19) VCF-style: chr9-130928610-C-A.
Other names: c.2395G>T, p.Ala799Ser (NM_001131015.2); c.2380G>T, p.Ala794Ser (NM_001131017.2); c.2323G>T, p.Ala775Ser (NM_001131018.2); c.2731G>T, p.Ala911Ser (NM_001257975.2); c.2260G>T, p.Ala754Ser (NM_001257976.2); c.2563G>T, p.Ala855Ser (NM_012127.3); short protein forms A754S, A794S, A855S, A911S, A775S, A799S.
Identifiers: ClinVar variation 2716860 (VCV002716860.3), dbSNP rs755157078, ClinGen allele CA375014149.
Genomic context (GRCh38, chr9:128,166,331, plus strand): 5'-TGTCCTGGGTGTTGGGCTGGGAGGGTGGGCGGCCGCTGGAGGTGAACAGGGCTGTCAAAG[C>A]GTTCCGGGCGTTGATTGCGCACCGGCGGCTCACAGGTCGGGTGGTGGGGCTGGGGTTCTT-3'
Protein context (NP_001124488.1, residues 845-865): SRRCAINARN[Ala855Ser]LTALFTSSGR

ClinVar aggregate classification (germline): Uncertain significance (1 of 4 stars; one submission).

Conditions:
Dystonic disorder. Also called: Dystonia. Identifiers: MedGen C0013421, MONDO:0003441, HP:0001332.

Allele frequency attached by ClinVar (database versions not stated): gnomAD 0.00001.

Submission:

Labcorp Genetics (formerly Invitae), Labcorp
Classification: Uncertain significance for Dystonic disorder. Last evaluated: 2024-01-26. Review status: criteria provided, single submitter. Criteria: Invitae Variant Classification Sherloc (09022015). Collection method: clinical testing. Allele origin: germline.
Comment: This sequence change replaces alanine, which is neutral and non-polar, with serine, which is neutral and polar, at codon 855 of the CIZ1 protein (p.Ala855Ser). This variant is not present in population databases (gnomAD no frequency). This variant has not been reported in the literature in individuals affected with CIZ1-related conditions. An algorithm developed to predict the effect of missense changes on protein structure and function (PolyPhen-2) suggests that this variant is likely to be disruptive. In summary, the available evidence is currently insufficient to determine the role of this variant in disease. Therefore, it has been classified as a Variant of Uncertain Significance.